The following is an entry in ClinVar:

ClinVar aggregate classification (germline): Uncertain significance. Review status: criteria provided, multiple submitters, no conflicts (2 of 4 stars). 7 submissions from 7 submitters: Uncertain significance (7). Last evaluated 2025-07-24.

Conditions:
Cockayne syndrome type 1. Also called: Cockayne syndrome type I; Cockayne syndrome classical; Cockayne syndrome classic form. Identifiers: Orphanet 191, Orphanet 90321, MedGen C0751039, MONDO:0019569, OMIM 216400.
Inborn genetic diseases. Identifiers: MedGen C0950123, MeSH D030342.

Allele frequency attached by ClinVar (database versions not stated): TOPMed 0.00006; ExAC 0.00007; gnomAD 0.00008; gnomAD exomes 0.00010 and 0.00020; ESP Exome Variant Server 0.00015.
gnomAD v4.1: 298 of 1,608,166 alleles (0.019%); highest among the groups gnomAD compares: Non-Finnish European, 0.025%; no homozygotes.

Submissions (7):

GeneDx
Classification: Uncertain significance. Last evaluated: 2025-07-24. Review status: criteria provided, single submitter. Criteria: GeneDx Variant Classification Process June 2021. Collection method: clinical testing. Allele origin: germline. Affected: yes.
Comment: In silico analysis supports that this missense variant has a deleterious effect on protein structure/function; Has not been previously published as pathogenic or benign to our knowledge

Labcorp Genetics (formerly Invitae), Labcorp
Classification: Uncertain significance. Last evaluated: 2022-06-23. Review status: criteria provided, single submitter. Criteria: Invitae Variant Classification Sherloc (09022015). Collection method: clinical testing. Allele origin: germline.
Comment: This sequence change replaces cysteine, which is neutral and slightly polar, with arginine, which is basic and polar, at codon 84 of the ERCC8 protein (p.Cys84Arg). This variant is present in population databases (rs146740678, gnomAD 0.02%). This variant has not been reported in the literature in individuals affected with ERCC8-related conditions. ClinVar contains an entry for this variant (Variation ID: 288320). Algorithms developed to predict the effect of missense changes on protein structure and function are either unavailable or do not agree on the potential impact of this missense change (SIFT: "Deleterious"; PolyPhen-2: "Benign"; Align-GVGD: "Class C0"). In summary, the available evidence is currently insufficient to determine the role of this variant in disease. Therefore, it has been classified as a Variant of Uncertain Significance.

Blueprint Genetics
Classification: Uncertain significance. Last evaluated: 2022-02-28. Review status: criteria provided, single submitter. Criteria: ACMG Guidelines, 2015. Collection method: clinical testing. Allele origin: germline.

Ambry Genetics
Classification: Uncertain significance for Inborn genetic diseases. Last evaluated: 2021-09-08. Review status: criteria provided, single submitter. Criteria: Ambry Variant Classification Scheme 2023. Collection method: clinical testing. Allele origin: germline.

Mayo Clinic Laboratories, Mayo Clinic
Classification: Uncertain significance. Last evaluated: 2021-04-15. Review status: criteria provided, single submitter. Criteria: ACMG Guidelines, 2015. Collection method: clinical testing. Allele origin: germline.

Illumina Laboratory Services, Illumina
Classification: Uncertain significance for Cockayne syndrome type 1. Last evaluated: 2018-01-13. Review status: criteria provided, single submitter. Criteria: ICSL Variant Classification Criteria 13 December 2019. Collection method: clinical testing. Allele origin: germline.

Eurofins Ntd Llc (ga)
Classification: Uncertain significance. Last evaluated: 2016-06-23. Review status: criteria provided, single submitter. Criteria: EGL Classification Definitions 2015. Collection method: clinical testing. Allele origin: germline. Observed: 1 variant allele, 1 heterozygote.

NM_000082.4(ERCC8):c.250T>C (p.Cys84Arg)

Gene: ERCC8 (ERCC excision repair 8, CSA ubiquitin ligase complex subunit; minus strand). Cytogenetic location: 5q12.1.
Variant type: single nucleotide variant.
Coding change: c.250T>C on transcript NM_000082.4 (MANE Select); coding-DNA position 250, T replaced by C.
Protein change: p.Cys84Arg; replaces cysteine 84 with arginine.
Molecular consequence: missense variant. On other transcripts: 5 prime UTR variant (1).
Genome position (GRCh38, 1-based): chr5:60,922,079, A>G on the plus strand (T>C on the coding strand, the complement: ERCC8 is on the minus strand). VCF-style: chr5-60922079-A-G. GRCh37 (hg19) VCF-style: chr5-60217906-A-G.
Other names: p.Cys84Arg; c.76T>C, p.Cys26Arg (NM_001007233.3); c.250T>C, p.Cys84Arg (NM_001007234.3); c.-128T>C (NM_001290285.2); short protein forms C84R, C26R.
Identifiers: ClinVar variation 288320 (VCV000288320.16), dbSNP rs146740678, ClinGen allele CA3277909.
Genomic context (GRCh38, chr5:60,922,079, plus strand): 5'-ACAAATTCATAAATTTTTACATTTTAAATACATACCTGCCAATGGAACACACTGCTTTAC[A>G]TGTGTAATAAGATTGTCTGCTGGAGTTCTCAAGGTCATAAAGTACAATCACACCATCTGA-3'
Protein context (NP_000073.1, residues 74-94): ENSSRQSYYT[Cys84Arg]KAVCSIGRDH